The following is an entry in ClinVar:

NM_014141.6(CNTNAP2):c.3797-101G>C

Gene: CNTNAP2 (contactin associated protein 2; plus strand). Cytogenetic location: 7q36.1.
Variant type: single nucleotide variant.
Coding change: c.3797-101G>C on transcript NM_014141.6 (MANE Select); 101 bases into the intron before coding-DNA position 3797, G replaced by C.
Molecular consequence: intron variant.
Genome position (GRCh38, 1-based): chr7:148,415,316, G>C. VCF-style: chr7-148415316-G-C. GRCh37 (hg19) VCF-style: chr7-148112408-G-C.
Identifiers: ClinVar variation 675023 (VCV000675023.1), dbSNP rs73473910, ClinGen allele CA12575341.

ClinVar aggregate classification (germline): Benign (1 of 4 stars; one submission).

Allele frequency attached by ClinVar (database versions not stated): gnomAD 0.08524 and 0.08796; TOPMed 0.09104; 1000 Genomes Project 0.10843; 1000 Genomes Project 30x 0.11181.
gnomAD v4.1: 42,924 of 1,190,254 alleles (3.6%); highest among the groups gnomAD compares: African/African-American, 25%; 2,712 homozygotes.

Submission:

GeneDx
Classification: Benign. Last evaluated: 2018-06-14. Review status: criteria provided, single submitter. Criteria: GeneDx Variant Classification (06012015). Collection method: clinical testing. Allele origin: germline. Affected: yes.
Comment: This variant is considered likely benign or benign based on one or more of the following criteria: it is a conservative change, it occurs at a poorly conserved position in the protein, it is predicted to be benign by multiple in silico algorithms, and/or has population frequency not consistent with disease.